The following is an entry in ClinVar:

NM_002880.4(RAF1):c.1907C>T (p.Ala636Val)

Gene: RAF1 (Raf-1 proto-oncogene, serine/threonine kinase; minus strand). Cytogenetic location: 3p25.2.
Variant type: single nucleotide variant.
Coding change: c.1907C>T on transcript NM_002880.4 (MANE Select); coding-DNA position 1907, C replaced by T.
Protein change: p.Ala636Val; replaces alanine 636 with valine.
Molecular consequence: missense variant. On other transcripts: non-coding transcript variant (3).
Genome position (GRCh38, 1-based): chr3:12,584,554, G>A on the plus strand (C>T on the coding strand, the complement: RAF1 is on the minus strand). VCF-style: chr3-12584554-G-A. GRCh37 (hg19) VCF-style: chr3-12626053-G-A.
Other names: c.1967C>T, p.Ala656Val (NM_001354689.3); c.1907C>T, p.Ala636Val (NM_001354690.3); c.1664C>T, p.Ala555Val (NM_001354691.3, NM_001354692.3); c.1808C>T, p.Ala603Val (NM_001354693.3); c.1724C>T, p.Ala575Val (NM_001354694.3); c.1565C>T, p.Ala522Val (NM_001354695.3); short protein forms A522V, A603V, A636V, A656V, A575V, A555V.
Identifiers: ClinVar variation 1782414 (VCV001782414.2), dbSNP rs2058256303, ClinGen allele CA351495616.

ClinVar aggregate classification (germline): Uncertain significance (1 of 4 stars; one submission).

Conditions:
Cardiovascular phenotype. Identifiers: MedGen CN230736.

Allele frequency attached by ClinVar (database versions not stated): TOPMed below 0.00001.

Submission:

Ambry Genetics
Classification: Uncertain significance for Cardiovascular phenotype. Last evaluated: 2020-03-20. Review status: criteria provided, single submitter. Criteria: Ambry Variant Classification Scheme 2023. Collection method: clinical testing. Allele origin: germline.
Comment: The p.A636V variant (also known as c.1907C>T), located in coding exon 16 of the RAF1 gene, results from a C to T substitution at nucleotide position 1907. The alanine at codon 636 is replaced by valine, an amino acid with similar properties. This amino acid position is not well conserved in available vertebrate species. In addition, this alteration is predicted to be tolerated by in silico analysis. Since supporting evidence is limited at this time, the clinical significance of this alteration remains unclear.